The following is an entry in ClinVar:

NM_020937.4(FANCM):c.3745A>G (p.Thr1249Ala)

Gene: FANCM (FA complementation group M; plus strand). Cytogenetic location: 14q21.2.
Variant type: single nucleotide variant.
Coding change: c.3745A>G on transcript NM_020937.4 (MANE Select); coding-DNA position 3745, A replaced by G.
Protein change: p.Thr1249Ala; replaces threonine 1249 with alanine.
Molecular consequence: missense variant.
Genome position (GRCh38, 1-based): chr14:45,176,499, A>G. VCF-style: chr14-45176499-A-G. GRCh37 (hg19) VCF-style: chr14-45645702-A-G.
Other names: c.3667A>G, p.Thr1223Ala (NM_001308133.2); short protein forms T1223A, T1249A.
Identifiers: ClinVar variation 4808150 (VCV004808150.1).
Genomic context (GRCh38, chr14:45,176,499, plus strand): 5'-TCTGTTACCTTTGATTTAGGATTCTGTAGTCCAGATTCTGATGATGAAATATTGGAACAT[A>G]CATCAGATAGCAATAGACCTCTAGATGATCTATATGGAAGGTATTTGGAAATTAAGGAGA-3'
Protein context (NP_065988.1, residues 1239-1259): PDSDDEILEH[Thr1249Ala]SDSNRPLDDL

ClinVar aggregate classification (germline): Uncertain significance (1 of 4 stars; one submission).

Conditions:
Fanconi anemia (FA). Also called: Fanconi's anemia. Identifiers: Orphanet 84, MedGen C0015625, MeSH D005199, MONDO:0019391.

gnomAD v4.1: 8 of 1,606,818 alleles (0.0005%); highest among the groups gnomAD compares: Non-Finnish European, 0.00068%; no homozygotes.

Submission:

Labcorp Genetics (formerly Invitae), Labcorp
Classification: Uncertain significance for Fanconi anemia. Last evaluated: 2025-04-13. Review status: criteria provided, single submitter. Criteria: Invitae Variant Classification Sherloc (09022015). Collection method: clinical testing. Allele origin: germline.
Comment: This sequence change replaces threonine, which is neutral and polar, with alanine, which is neutral and non-polar, at codon 1249 of the FANCM protein (p.Thr1249Ala). This variant is present in population databases (no rsID available, gnomAD 0.0009%). This variant has not been reported in the literature in individuals affected with FANCM-related conditions. An algorithm developed to predict the effect of missense changes on protein structure and function outputs the following: PolyPhen-2: "Benign". The alanine amino acid residue is found in multiple mammalian species, which suggests that this missense change does not adversely affect protein function. In summary, the available evidence is currently insufficient to determine the role of this variant in disease. Therefore, it has been classified as a Variant of Uncertain Significance.